The following is an entry in ClinVar:

ClinVar aggregate classification (germline): Uncertain significance (1 of 4 stars; one submission).

Allele frequency attached by ClinVar (database versions not stated): gnomAD 0.00001; gnomAD exomes 0.00001; TOPMed 0.00003; ExAC 0.00005; 1000 Genomes Project 30x 0.00016; ESP Exome Variant Server 0.00023.
gnomAD v4.1: 12 of 1,614,122 alleles (0.00074%); highest among the groups gnomAD compares: African/African-American, 0.0067%; no homozygotes.

Submission:

Labcorp Genetics (formerly Invitae), Labcorp
Classification: Uncertain significance. Last evaluated: 2025-05-12. Review status: criteria provided, single submitter. Criteria: Invitae Variant Classification Sherloc (09022015). Collection method: clinical testing. Allele origin: germline.
Comment: This sequence change replaces glutamic acid, which is acidic and polar, with lysine, which is basic and polar, at codon 3441 of the DNAH9 protein (p.Glu3441Lys). This variant is present in population databases (rs138909212, gnomAD 0.02%). This variant has not been reported in the literature in individuals affected with DNAH9-related conditions. ClinVar contains an entry for this variant (Variation ID: 1928111). Invitae Evidence Modeling of protein sequence and biophysical properties (such as structural, functional, and spatial information, amino acid conservation, physicochemical variation, residue mobility, and thermodynamic stability) indicates that this missense variant is not expected to disrupt DNAH9 protein function with a negative predictive value of 80%. In summary, the available evidence is currently insufficient to determine the role of this variant in disease. Therefore, it has been classified as a Variant of Uncertain Significance.

NM_001372.4(DNAH9):c.10321G>A (p.Glu3441Lys)

Genes: DNAH9 (dynein axonemal heavy chain 9; plus strand), LOC101928350 (uncharacterized LOC101928350; minus strand). Cytogenetic location: 17p12.
Variant type: single nucleotide variant.
Coding change: c.10321G>A on transcript NM_001372.4 (MANE Select); coding-DNA position 10321, G replaced by A.
Protein change: p.Glu3441Lys; replaces glutamic acid 3441 with lysine.
Molecular consequence: missense variant.
Genome position (GRCh38, 1-based): chr17:11,875,027, G>A. VCF-style: chr17-11875027-G-A. GRCh37 (hg19) VCF-style: chr17-11778344-G-A.
Other names: short protein forms E3441K.
Identifiers: ClinVar variation 1928111 (VCV001928111.4), dbSNP rs138909212, ClinGen allele CA8397479.
Genomic context (GRCh38, chr17:11,875,027, plus strand): 5'-CCAGCCCTGGATCCCCTGAGGATGCTGATGGATGATGCTGACGTGGCTGCCTGGCAGAAC[G>A]AGGGCCTCCCAGCCGACCGCATGTCCGTGGAGAATGCCACCATTCTCATCAACTGTGAGC-3'
Protein context (NP_001363.2, residues 3431-3451): DDADVAAWQN[Glu3441Lys]GLPADRMSVE